The following is an entry in ClinVar:

ClinVar aggregate classification (germline): Pathogenic/Likely pathogenic. Review status: criteria provided, multiple submitters, no conflicts (2 of 4 stars). 2 submissions from 2 submitters: Pathogenic (1); Likely pathogenic (1). Last evaluated 2021-08-27.

Conditions:
Ataxia-telangiectasia syndrome (AT). Also called: Ataxia-telangiectasia, complementation group D; AT, COMPLEMENTATION GROUP C; ATAXIA-TELANGIECTASIA, COMPLEMENTATION GROUP A; ATAXIA-TELANGIECTASIA, FRESNO VARIANT; Ataxia-telangiectasia; Ataxia telangiectasia (A-T). Identifiers: Orphanet 100, MedGen C0004135, MONDO:0008840, OMIM 208900.

Submissions (2):

Labcorp Genetics (formerly Invitae), Labcorp
Classification: Pathogenic for Ataxia-telangiectasia syndrome. Last evaluated: 2021-08-27. Review status: criteria provided, single submitter. Criteria: Invitae Variant Classification Sherloc (09022015). Collection method: clinical testing. Allele origin: germline.
Comment: This sequence change creates a premature translational stop signal (p.Phe2958*) in the ATM gene. It is expected to result in an absent or disrupted protein product. Loss-of-function variants in ATM are known to be pathogenic (PMID: 23807571, 25614872). This variant is not present in population databases (ExAC no frequency). This premature translational stop signal has been observed in individual(s) with Ataxia-telangiectasia (PMID: 21665257, 27664052). ClinVar contains an entry for this variant (Variation ID: 994786). For these reasons, this variant has been classified as Pathogenic.

Athena Diagnostics
Classification: Likely pathogenic. Last evaluated: 2020-02-18. Review status: criteria provided, single submitter. Criteria: Athena Diagnostics Criteria. Collection method: clinical testing. Allele origin: unknown.
Comment: The variant results in a shift of the reading frame, and is therefore predicted to result in the loss of a functional protein. Not found in the total gnomAD dataset, and the data is high quality.

Literature cited by the submitters: PubMed 23807571 (cited by Labcorp Genetics (formerly Invitae), Labcorp); PubMed 25614872 (cited by Labcorp Genetics (formerly Invitae), Labcorp); PubMed 21665257 (cited by Labcorp Genetics (formerly Invitae), Labcorp); PubMed 27664052 (cited by Labcorp Genetics (formerly Invitae), Labcorp).

NM_000051.4(ATM):c.8871_8872del (p.Leu2957_Phe2958insTer)

Genes: ATM (ATM serine/threonine kinase; plus strand), C11orf65 (chromosome 11 open reading frame 65; minus strand). Cytogenetic location: 11q22.3.
Variant type: Microsatellite.
Coding change: c.8871_8872del on transcript NM_000051.4 (MANE Select); coding-DNA positions 8871 to 8872, 2 bases deleted (CT; older notation c.8871_8872delCT).
Protein change: p.Leu2957_Phe2958insTer.
Molecular consequence: frameshift variant. On other transcripts: nonsense (1), intron variant (2).
Genome position (GRCh38, 1-based): chr11:108,365,102-108,365,103, CT deleted; deleting any 2 consecutive bases within chr11:108,365,100-108,365,103 gives the same sequence; the c. name uses the placement nearest the transcript's 3' end. VCF-style (leftmost placement, unchanged base first): chr11-108365099-ACT-A. GRCh37 (hg19) VCF-style: chr11-108235826-ACT-A.
Other names: c.8871_8872del (NM_000051.3); c.8871_8872del, p.Leu2957_Phe2958insTer (NM_001351834.2); c.640+20819_640+20820del (NM_001330368.2); c.694+20819_694+20820del (NM_001351110.2).
Identifiers: ClinVar variation 994786 (VCV000994786.9), dbSNP rs2091200503, ClinGen allele CA1998827095.
Genomic context (GRCh38, chr11:108,365,099, plus strand): 5'-AAATGTACATTGTTCTTTTAATACATATGTTCTCTCTGTTTAGGTCCTTCTATATGATCC[ACT>A]CTTTGACTGGACCATGAATCCTTTGAAAGCTTTGTATTTACAGCAGAGGCCGGAAGATGA-3'